The following is an entry in ClinVar:

NM_004304.5(ALK):c.2551G>C (p.Ala851Pro)

Gene: ALK (ALK receptor tyrosine kinase; minus strand). Cytogenetic location: 2p23.2.
Variant type: single nucleotide variant.
Coding change: c.2551G>C on transcript NM_004304.5 (MANE Select); coding-DNA position 2551, G replaced by C.
Protein change: p.Ala851Pro; replaces alanine 851 with proline.
Molecular consequence: missense variant.
Genome position (GRCh38, 1-based): chr2:29,232,385, C>G on the plus strand (G>C on the coding strand, the complement: ALK is on the minus strand). VCF-style: chr2-29232385-C-G. GRCh37 (hg19) VCF-style: chr2-29455251-C-G.
Other names: short protein forms A851P.
Identifiers: ClinVar variation 4843261 (VCV004843261.1).
Genomic context (GRCh38, chr2:29,232,385, plus strand): 5'-TTAGCCCTAGAACCGAGGAGTTATTCTCCAGTCTCTCTGGGTGGAACGTGTCTGTCTTGG[C>G]CCCGTAGGCCCTGCCACCACCTCCGGCTGCAATGATCAGGGGCACCGGCACTCCATCCTT-3'
Protein context (NP_004295.2, residues 841-861): AAGGGGRAYG[Ala851Pro]KTDTFHPERL

ClinVar aggregate classification (germline): Uncertain significance (1 of 4 stars; one submission).

Conditions:
Hereditary cancer-predisposing syndrome. Also called: Neoplastic Syndromes, Hereditary; Tumor predisposition; Hereditary Cancer Syndrome; Hereditary neoplastic syndrome. Identifiers: Orphanet 140162, MedGen C0027672, MeSH D009386, MONDO:0015356.

Submission:

Ambry Genetics
Classification: Uncertain significance for Hereditary cancer-predisposing syndrome. Last evaluated: 2026-01-03. Review status: criteria provided, single submitter. Criteria: Ambry Variant Classification Scheme 2023. Collection method: clinical testing. Allele origin: germline.
Comment: The p.A851P variant (also known as c.2551G>C), located in coding exon 15 of the ALK gene, results from a G to C substitution at nucleotide position 2551. The alanine at codon 851 is replaced by proline, an amino acid with highly similar properties. This amino acid position is conserved. In addition, this alteration is predicted to be tolerated by in silico analysis. Based on the available evidence, the clinical significance of this variant remains unclear.